The following is an entry in ClinVar:

NM_000090.4(COL3A1):c.1091C>T (p.Ala364Val)

Gene: COL3A1 (collagen type III alpha 1 chain; plus strand). Cytogenetic location: 2q32.2.
Variant type: single nucleotide variant.
Coding change: c.1091C>T on transcript NM_000090.4 (MANE Select); coding-DNA position 1091, C replaced by T.
Protein change: p.Ala364Val; replaces alanine 364 with valine.
Molecular consequence: missense variant.
Genome position (GRCh38, 1-based): chr2:188,993,401, C>T. VCF-style: chr2-188993401-C-T. GRCh37 (hg19) VCF-style: chr2-189858127-C-T.
Other names: short protein forms A364V.
Identifiers: ClinVar variation 2775100 (VCV002775100.2), dbSNP rs2469126052, ClinGen allele CA349850896.
Genomic context (GRCh38, chr2:188,993,401, plus strand): 5'-ACACAAGGTTTTACCATTAGGGTGAAGTTGGACCTGCAGGGTCTCCTGGTTCAAATGGTG[C>T]CCCTGGACAAAGAGGAGAACCTGGACCTCAGGGACACGCTGGTGCTCAAGGTCCTCCTGT-3'
Protein context (NP_000081.2, residues 354-374): GPAGSPGSNG[Ala364Val]PGQRGEPGPQ

ClinVar aggregate classification (germline): Uncertain significance (1 of 4 stars; one submission).

Conditions:
Familial thoracic aortic aneurysm and aortic dissection (TAAD). Also called: Thoracic aortic aneurysms and dissections. Identifiers: Orphanet 91387, MedGen C4707243, MONDO:0019625.

Allele frequency attached by ClinVar (database versions not stated): gnomAD exomes below 0.00001.
gnomAD v4.1: 1 of 1,569,606 alleles (0.000064%); highest among the groups gnomAD compares: Non-Finnish European, 0.000087%; no homozygotes.

Submission:

Color Diagnostics, LLC DBA Color Health
Classification: Uncertain significance for Familial thoracic aortic aneurysm and aortic dissection. Last evaluated: 2024-03-06. Review status: criteria provided, single submitter. Criteria: ACMG Guidelines, 2015. Collection method: clinical testing. Allele origin: germline.
Comment: This missense variant replaces alanine with valine at codon 364 of the COL3A1 protein. Computational prediction suggests that this variant may not impact protein structure and function (internally defined REVEL score threshold <= 0.5, PMID: 27666373). To our knowledge, functional studies have not been reported for this variant. This variant has not been reported in individuals affected with cardiovascular disorders in the literature. This variant has not been identified in the general population by the Genome Aggregation Database (gnomAD). The available evidence is insufficient to determine the role of this variant in disease conclusively. Therefore, this variant is classified as a Variant of Uncertain Significance.